The following is an entry in ClinVar:

ClinVar aggregate classification (germline): Benign/Likely benign. Review status: criteria provided, multiple submitters, no conflicts (2 of 4 stars). 10 submissions from 10 submitters: Benign (9); Likely benign (1). Last evaluated 2026-02-02.

Conditions:
Familial cold autoinflammatory syndrome 2 (FCAS2). Identifiers: Orphanet 247868, MedGen C2673198, MONDO:0012724, OMIM 611762.
Autoinflammatory syndrome. Identifiers: Orphanet 93665, MedGen C3890737, MONDO:0019751.

Allele frequency attached by ClinVar (database versions not stated): 1000 Genomes Project 30x 0.04216; 1000 Genomes Project 0.04253.
gnomAD v4.1: 133,385 of 1,613,674 alleles (8.3%); highest among the groups gnomAD compares: South Asian, 13%; 6,215 homozygotes.

Submissions (10):

Labcorp Genetics (formerly Invitae), Labcorp
Classification: Benign for Familial cold autoinflammatory syndrome 2. Last evaluated: 2026-02-02. Review status: criteria provided, single submitter. Criteria: Invitae Variant Classification Sherloc (09022015). Collection method: clinical testing. Allele origin: germline.

Women's Health and Genetics/Laboratory Corporation of America, LabCorp
Classification: Benign. Last evaluated: 2026-01-21. Review status: criteria provided, single submitter. Criteria: LabCorp Variant Classification Summary - May 2015. Collection method: clinical testing. Allele origin: germline.

ARUP Laboratories, Molecular Genetics and Genomics, ARUP Laboratories
Classification: Benign for Familial cold autoinflammatory syndrome 2. Last evaluated: 2025-07-21. Review status: criteria provided, single submitter. Criteria: ARUP Molecular Germline Variant Investigation Process 2024. Collection method: clinical testing. Allele origin: germline.

Blueprint Genetics
Classification: Likely benign. Last evaluated: 2024-11-28. Review status: criteria provided, single submitter. Criteria: ACMG Guidelines, 2015. Collection method: clinical testing. Allele origin: germline.

GeneDx
Classification: Benign. Last evaluated: 2021-05-04. Review status: criteria provided, single submitter. Criteria: GeneDx Variant Classification Process June 2021. Collection method: clinical testing. Allele origin: germline. Affected: yes.

Mayo Clinic Laboratories, Mayo Clinic
Classification: Benign. Last evaluated: 2018-05-25. Review status: criteria provided, single submitter. Criteria: ACMG Guidelines, 2015. Collection method: clinical testing. Allele origin: germline. Observed: 128 variant alleles.

Genome Diagnostics Laboratory, The Hospital for Sick Children
Classification: Benign for Autoinflammatory syndrome. Last evaluated: 2016-12-12. Review status: criteria provided, single submitter. Criteria: ACMG Guidelines, 2015. Collection method: clinical testing. Allele origin: germline. Affected: yes.

Laboratory for Molecular Medicine, Mass General Brigham Personalized Medicine
Classification: Benign. Last evaluated: 2016-03-29. Review status: criteria provided, single submitter. Criteria: LMM Criteria. Collection method: clinical testing. Allele origin: germline.
Comment: Variant identified in a genome or exome case(s) and assessed due to predicted null impact of the variant or pathogenic assertions in the literature or databases. Disclaimer: This variant has not undergone full assessment. The following are preliminary notes: Frequency

Breakthrough Genomics
Classification: Benign. Review status: criteria provided, single submitter. Criteria: ACMG Guidelines, 2015. Collection method: not provided. Allele origin: germline. Inheritance: Autosomal dominant inheritance. Affected: yes.

PreventionGenetics, part of Exact Sciences
Classification: Benign. Review status: criteria provided, single submitter. Criteria: ACMG Guidelines, 2015. Collection method: clinical testing. Allele origin: germline.

NM_144687.4(NLRP12):c.2469C>A (p.Leu823=)

Gene: NLRP12 (NLR family pyrin domain containing 12; minus strand). Cytogenetic location: 19q13.42.
Variant type: single nucleotide variant.
Coding change: c.2469C>A on transcript NM_144687.4 (MANE Select); coding-DNA position 2469, C replaced by A.
Protein change: p.Leu823=; no amino-acid change (leucine 823 retained).
Molecular consequence: synonymous variant.
Genome position (GRCh38, 1-based): chr19:53,804,068, G>T on the plus strand (C>A on the coding strand, the complement: NLRP12 is on the minus strand). VCF-style: chr19-53804068-G-T. GRCh37 (hg19) VCF-style: chr19-54307322-G-T.
Other names: p.Leu823=; c.2472C>A, p.Leu824= (NM_001277126.2); c.2469C>A, p.Leu823= (NM_001277129.1).
Identifiers: ClinVar variation 262530 (VCV000262530.41), dbSNP rs12460528, ClinGen allele CA9639064.